The following is an entry in ClinVar:

NM_032380.5(GFM2):c.1718G>A (p.Arg573His)

Gene: GFM2 (GTP dependent ribosome recycling factor mitochondrial GFM2; minus strand). Cytogenetic location: 5q13.3.
Variant type: single nucleotide variant.
Coding change: c.1718G>A on transcript NM_032380.5 (MANE Select); coding-DNA position 1718, G replaced by A.
Protein change: p.Arg573His; replaces arginine 573 with histidine.
Molecular consequence: missense variant.
Genome position (GRCh38, 1-based): chr5:74,730,268, C>T on the plus strand (G>A on the coding strand, the complement: GFM2 is on the minus strand). VCF-style: chr5-74730268-C-T. GRCh37 (hg19) VCF-style: chr5-74026093-C-T.
Other names: p.R573H:CGT>CAT; p.Arg573His; c.1814G>A, p.Arg605His (NM_001281302.2); c.1577G>A, p.Arg526His (NM_170691.3); short protein forms R573H, R526H, R605H.
Identifiers: ClinVar variation 137476 (VCV000137476.37), dbSNP rs143461990, ClinGen allele CA291080.

ClinVar aggregate classification (germline): Benign/Likely benign. Review status: criteria provided, multiple submitters, no conflicts (2 of 4 stars). 8 submissions from 8 submitters: Benign (2); Likely benign (6). Last evaluated 2026-08-01.

Conditions:
Combined oxidative phosphorylation deficiency 39. Identifiers: Orphanet 565624, MedGen C5193075, MONDO:0032726, OMIM 618397.
Inborn genetic diseases. Identifiers: MedGen C0950123, MeSH D030342.

Allele frequency attached by ClinVar (database versions not stated): 1000 Genomes Project 30x 0.00172; ExAC 0.00236; gnomAD 0.00271 and 0.00278; 1000 Genomes Project 0.00160; gnomAD exomes 0.00399 and 0.00237; TOPMed 0.00324; ESP Exome Variant Server 0.00338.
gnomAD v4.1: 6,241 of 1,601,796 alleles (0.39%); highest among the groups gnomAD compares: Non-Finnish European, 0.47%; 20 homozygotes.

Submissions (8):

CeGaT Center for Human Genetics Tuebingen
Classification: Likely benign. Last evaluated: 2026-08-01. Review status: criteria provided, single submitter. Criteria: CeGaT Center For Human Genetics Tuebingen Variant Classification Criteria Version 2. Collection method: clinical testing. Allele origin: germline. Affected: yes. Observed: 7 variant alleles.
Comment: GFM2: BP4, BS2

Labcorp Genetics (formerly Invitae), Labcorp
Classification: Likely benign. Last evaluated: 2026-01-15. Review status: criteria provided, single submitter. Criteria: Invitae Variant Classification Sherloc (09022015). Collection method: clinical testing. Allele origin: germline.

Mayo Clinic Laboratories, Mayo Clinic
Classification: Likely benign. Last evaluated: 2025-02-14. Review status: criteria provided, single submitter. Criteria: ACMG Guidelines, 2015. Collection method: clinical testing. Allele origin: germline. Observed: 3 variant alleles.
Comment: BS1, BP4

Blueprint Genetics
Classification: Likely benign. Last evaluated: 2024-11-25. Review status: criteria provided, single submitter. Criteria: ACMG Guidelines, 2015. Collection method: clinical testing. Allele origin: germline.

Department of Pathology and Laboratory Medicine, Sinai Health System
Classification: Benign for Combined oxidative phosphorylation deficiency 39. Last evaluated: 2021-07-30. Review status: criteria provided, single submitter. Criteria: ACMG Guidelines, 2015. Collection method: research. Allele origin: germline.

Ambry Genetics
Classification: Likely benign for Inborn genetic diseases. Last evaluated: 2021-07-13. Review status: criteria provided, single submitter. Criteria: Ambry Variant Classification Scheme 2023. Collection method: clinical testing. Allele origin: germline.

GeneDx
Classification: Benign. Last evaluated: 2013-12-03. Review status: criteria provided, single submitter. Criteria: GeneDx Variant Classification (06012015). Collection method: clinical testing. Allele origin: germline. Affected: yes.
Comment: This variant is considered likely benign or benign based on one or more of the following criteria: it is a conservative change, it occurs at a poorly conserved position in the protein, it is predicted to be benign by multiple in silico algorithms, and/or has population frequency not consistent with disease.

Breakthrough Genomics
Classification: Likely benign. Review status: criteria provided, single submitter. Criteria: ACMG Guidelines, 2015. Collection method: not provided. Allele origin: germline. Inheritance: Autosomal recessive inheritance. Affected: yes.